The following is an entry in ClinVar:

NM_001868.4(CPA1):c.149T>G (p.Leu50Arg)

Gene: CPA1 (carboxypeptidase A1; plus strand). Cytogenetic location: 7q32.2.
Variant type: single nucleotide variant.
Coding change: c.149T>G on transcript NM_001868.4 (MANE Select); coding-DNA position 149, T replaced by G.
Protein change: p.Leu50Arg; replaces leucine 50 with arginine.
Molecular consequence: missense variant.
Genome position (GRCh38, 1-based): chr7:130,381,631, T>G. VCF-style: chr7-130381631-T-G. GRCh37 (hg19) VCF-style: chr7-130021472-T-G.
Other names: short protein forms L50R.
Identifiers: ClinVar variation 2496911 (VCV002496911.4), dbSNP rs992726475, ClinGen allele CA166885287.
Genomic context (GRCh38, chr7:130,381,631, plus strand): 5'-TGCTGTCCTGGCTGGTGCCCCCAGCCCGCTGTGACCGTGCCGGCTCTTGTCCTCCCCAGC[T>G]GGACTTCTGGCGGGGGCCTGCCCACCCTGGCTCCCCCATCGACGTCCGAGTGCCCTTCCC-3'
Protein context (NP_001859.1, residues 40-60): KELEDLEHLQ[Leu50Arg]DFWRGPAHPG

ClinVar aggregate classification (germline): Uncertain significance. Review status: criteria provided, multiple submitters, no conflicts (2 of 4 stars). 2 submissions from 2 submitters: Uncertain significance (2). Last evaluated 2025-10-25.

Conditions:
Hereditary pancreatitis (PCTT). Also called: Hereditary chronic pancreatitis; PRSS1-Related Hereditary Pancreatitis. Identifiers: Orphanet 676, MedGen C0238339, MONDO:0008185, OMIM 167800.

Allele frequency attached by ClinVar (database versions not stated): TOPMed below 0.00001; gnomAD 0.00001.
gnomAD v4.1: 1 of 1,612,844 alleles (0.000062%); highest among the groups gnomAD compares: East Asian, 0.0022%; no homozygotes.

Submissions (2):

Labcorp Genetics (formerly Invitae), Labcorp
Classification: Uncertain significance. Last evaluated: 2025-10-25. Review status: criteria provided, single submitter. Criteria: Invitae Variant Classification Sherloc (09022015). Collection method: clinical testing. Allele origin: germline.
Comment: This sequence change replaces leucine, which is neutral and non-polar, with arginine, which is basic and polar, at codon 50 of the CPA1 protein (p.Leu50Arg). This variant is present in population databases (no rsID available, gnomAD 0.06%). This variant has not been reported in the literature in individuals affected with CPA1-related conditions. ClinVar contains an entry for this variant (Variation ID: 2496911). An algorithm developed to predict the effect of missense changes on protein structure and function (PolyPhen-2) suggests that this variant is likely to be disruptive. In summary, the available evidence is currently insufficient to determine the role of this variant in disease. Therefore, it has been classified as a Variant of Uncertain Significance.

Ambry Genetics
Classification: Uncertain significance for Hereditary pancreatitis. Last evaluated: 2025-02-26. Review status: criteria provided, single submitter. Criteria: Ambry Variant Classification Scheme 2023. Collection method: clinical testing. Allele origin: germline.
Comment: The p.L50R variant (also known as c.149T>G), located in coding exon 3 of the CPA1 gene, results from a T to G substitution at nucleotide position 149. The leucine at codon 50 is replaced by arginine, an amino acid with dissimilar properties. This amino acid position is conserved. In addition, this alteration is predicted to be deleterious by in silico analysis. Since supporting evidence is limited at this time, the clinical significance of this alteration remains unclear.